The following is an entry in ClinVar:

NM_001967.4(EIF4A2):c.76-3_76del

Gene: EIF4A2 (eukaryotic translation initiation factor 4A2; plus strand). Cytogenetic location: 3q27.3.
Variant type: Deletion.
Coding change: c.76-3_76del on transcript NM_001967.4 (MANE Select); 3 bases into the intron before coding-DNA position 76 through coding-DNA position 76, 4 bases deleted (CAGA; older notation c.76-3_76delCAGA).
Molecular consequence: splice acceptor variant.
Genome position (GRCh38, 1-based): chr3:186,784,561-186,784,564, CAGA deleted; deleting any 4 consecutive bases within chr3:186,784,560-186,784,564 gives the same sequence; the c. name uses the placement nearest the transcript's 3' end. VCF-style (leftmost placement, unchanged base first): chr3-186784559-TACAG-T. GRCh37 (hg19) VCF-style: chr3-186502348-TACAG-T.
Identifiers: ClinVar variation 5008125 (VCV005008125.1).

ClinVar aggregate classification (germline): Uncertain significance (1 of 4 stars; one submission).

Submission:

GeneDx
Classification: Uncertain significance. Last evaluated: 2026-03-01. Review status: criteria provided, single submitter. Criteria: GeneDx Variant Classification Process June 2021. Collection method: clinical testing. Allele origin: germline.
Comment: Not observed at significant frequency in large population cohorts (gnomAD); Canonical splice site variant with an unclear effect on protein function; Has not been previously published as pathogenic or benign to our knowledge